The following is an entry in ClinVar:

NM_018006.5(TRMU):c.1153C>T (p.Arg385Trp)

Gene: TRMU (tRNA mitochondrial 2-thiouridylase; plus strand). Cytogenetic location: 22q13.31.
Variant type: single nucleotide variant.
Coding change: c.1153C>T on transcript NM_018006.5 (MANE Select); coding-DNA position 1153, C replaced by T.
Protein change: p.Arg385Trp; replaces arginine 385 with tryptophan.
Molecular consequence: missense variant. On other transcripts: non-coding transcript variant (2).
Genome position (GRCh38, 1-based): chr22:46,356,893, C>T. VCF-style: chr22-46356893-C-T. GRCh37 (hg19) VCF-style: chr22-46752790-C-T.
Other names: c.*597C>T (NM_001008568.2); c.*691C>T (NM_001008570.2); c.811C>T, p.Arg271Trp (NM_001282782.2); c.733C>T, p.Arg245Trp (NM_001282783.2); c.650C>T, p.Ala217Val (NM_001282784.2); c.1070C>T, p.Ala357Val (NM_001282785.2); c.1153C>T (NM_018006.4); short protein forms A217V, A357V, R245W, R271W, R385W.
Identifiers: ClinVar variation 2414426 (VCV002414426.6), dbSNP rs759079438, ClinGen allele CA10292456.

ClinVar aggregate classification (germline): Uncertain significance. Review status: criteria provided, multiple submitters, no conflicts (2 of 4 stars). 3 submissions from 3 submitters: Uncertain significance (3). Last evaluated 2025-11-06.

Conditions:
TRMU-related disorder. Also called: TRMU-related condition.
Inborn genetic diseases. Identifiers: MedGen C0950123, MeSH D030342.

Allele frequency attached by ClinVar (database versions not stated): gnomAD exomes 0.00001; TOPMed 0.00001; ExAC 0.00002; gnomAD 0.00002.
gnomAD v4.1: 19 of 1,613,148 alleles (0.0012%); highest among the groups gnomAD compares: African/African-American, 0.0053%; no homozygotes.

Submissions (3):

PreventionGenetics, part of Exact Sciences
Classification: Uncertain significance for TRMU-related condition. Last evaluated: 2025-11-06. Review status: criteria provided, single submitter. Criteria: ACMG Guidelines, 2015. Collection method: clinical testing. Allele origin: germline.
Comment: The TRMU c.1153C>T variant is predicted to result in the amino acid substitution p.Arg385Trp. To our knowledge, this variant has not been reported in the literature. This variant is reported in 0.0080% of alleles in individuals of African descent in gnomAD. At this time, the clinical significance of this variant is uncertain due to the absence of conclusive functional and genetic evidence.

Ambry Genetics
Classification: Uncertain significance for Inborn genetic diseases. Last evaluated: 2023-06-29. Review status: criteria provided, single submitter. Criteria: Ambry Variant Classification Scheme 2023. Collection method: clinical testing. Allele origin: germline.

Labcorp Genetics (formerly Invitae), Labcorp
Classification: Uncertain significance. Last evaluated: 2022-07-12. Review status: criteria provided, single submitter. Criteria: Invitae Variant Classification Sherloc (09022015). Collection method: clinical testing. Allele origin: germline.
Comment: This sequence change replaces arginine, which is basic and polar, with tryptophan, which is neutral and slightly polar, at codon 385 of the TRMU protein (p.Arg385Trp). This variant is present in population databases (rs759079438, gnomAD 0.008%). This variant has not been reported in the literature in individuals affected with TRMU-related conditions. Algorithms developed to predict the effect of missense changes on protein structure and function are either unavailable or do not agree on the potential impact of this missense change (SIFT: "Deleterious"; PolyPhen-2: "Probably Damaging"; Align-GVGD: "Class C15"). In summary, the available evidence is currently insufficient to determine the role of this variant in disease. Therefore, it has been classified as a Variant of Uncertain Significance.